The following is an entry in ClinVar:

ClinVar aggregate classification (germline): Uncertain significance (1 of 4 stars; one submission).

Conditions:
Combined immunodeficiency due to OX40 deficiency. Also called: Immunodeficiency 16; OX40 DEFICIENCY. Identifiers: Orphanet 431149, MedGen C3810053, MONDO:0014268, OMIM 615593.

Allele frequency attached by ClinVar (database versions not stated): gnomAD exomes below 0.00001 and 0.00001; TOPMed 0.00001; gnomAD 0.00002.

Submission:

Labcorp Genetics (formerly Invitae), Labcorp
Classification: Uncertain significance for Combined immunodeficiency due to OX40 deficiency. Last evaluated: 2019-06-26. Review status: criteria provided, single submitter. Criteria: Invitae Variant Classification Sherloc (09022015). Collection method: clinical testing. Allele origin: germline.
Comment: In summary, the available evidence is currently insufficient to determine the role of this variant in disease. Therefore, it has been classified as a Variant of Uncertain Significance. The current clinical and genetic evidence is not sufficient to establish whether loss-of-function variants in TNFRSF4 cause disease. Nucleotide substitutions within the consensus splice site are a relatively common cause of aberrant splicing (PMID: 17576681, 9536098). Algorithms developed to predict the effect of sequence changes on RNA splicing suggest that this variant may disrupt the consensus splice site, but this prediction has not been confirmed by published transcriptional studies. This variant has not been reported in the literature in individuals with TNFRSF4-related disease. This variant is not present in population databases (ExAC no frequency). This sequence change affects an acceptor splice site in the last intron (intron 6) of the TNFRSF4 gene. While this is not anticipated to result in nonsense mediated decay, it likely alters RNA splicing and results in a disrupted protein product.

Literature cited by the submitters: PubMed 17576681; PubMed 9536098.

NM_003327.4(TNFRSF4):c.764-2del

Gene: TNFRSF4 (TNF receptor superfamily member 4; minus strand). Cytogenetic location: 1p36.33.
Variant type: Deletion.
Coding change: c.764-2del on transcript NM_003327.4 (MANE Select); the canonical splice acceptor site of the intron before coding-DNA position 764, one base deleted (A; older notation c.764-2delA).
Molecular consequence: splice acceptor variant. On other transcripts: frameshift variant (1).
Genome position (GRCh38, 1-based): chr1:1,211,627, T deleted on the plus strand (A on the coding strand, the reverse complement: TNFRSF4 is on the minus strand). VCF-style (leftmost placement, unchanged base first): chr1-1211626-CT-C. GRCh37 (hg19) VCF-style: chr1-1147006-CT-C.
Other names: c.840del, p.Gly282fs (NM_001410709.1); short protein forms G282fs.
Identifiers: ClinVar variation 640195 (VCV000640195.11), dbSNP rs1253678132, ClinGen allele CA520735565.
Genomic context (GRCh38, chr1:1,211,626, plus strand): 5'-CCAGGGTGGAGTGGGCGTCGGCCTGCTCCTCTTGGATGGGGGTCCGGAAACTGCCTCCCC[CT>C]GGGGAGGAAAAAAGGAGAGATTGGTGGGTGGGCCTCACCCGCCAGGAGCAGTGCGGCAGG-3'